The following is an entry in ClinVar:

ClinVar aggregate classification (germline): Uncertain significance (1 of 4 stars; one submission).

Conditions:
Combined immunodeficiency due to STK4 deficiency (IMD110). Also called: T-cell immunodeficiency, recurrent infections, and autoimmunity with or without cardiac malformations; STK4 DEFICIENCY; MST1 DEFICIENCY. Identifiers: Orphanet 314689, MedGen C3553943, MONDO:0013934, OMIM 614868.

Allele frequency attached by ClinVar (database versions not stated): TOPMed below 0.00001.

Submission:

Labcorp Genetics (formerly Invitae), Labcorp
Classification: Uncertain significance for Combined immunodeficiency due to STK4 deficiency. Last evaluated: 2022-06-09. Review status: criteria provided, single submitter. Criteria: Invitae Variant Classification Sherloc (09022015). Collection method: clinical testing. Allele origin: germline.
Comment: In summary, the available evidence is currently insufficient to determine the role of this variant in disease. Therefore, it has been classified as a Variant of Uncertain Significance. Advanced modeling of protein sequence and biophysical properties (such as structural, functional, and spatial information, amino acid conservation, physicochemical variation, residue mobility, and thermodynamic stability) performed at Invitae indicates that this missense variant is not expected to disrupt STK4 protein function. This variant has not been reported in the literature in individuals affected with STK4-related conditions. This variant is not present in population databases (gnomAD no frequency). This sequence change replaces methionine, which is neutral and non-polar, with leucine, which is neutral and non-polar, at codon 143 of the STK4 protein (p.Met143Leu).

NM_006282.5(STK4):c.427A>T (p.Met143Leu)

Gene: STK4 (serine/threonine kinase 4; plus strand). Cytogenetic location: 20q13.12.
Variant type: single nucleotide variant.
Coding change: c.427A>T on transcript NM_006282.5 (MANE Select); coding-DNA position 427, A replaced by T.
Protein change: p.Met143Leu; replaces methionine 143 with leucine.
Molecular consequence: missense variant.
Genome position (GRCh38, 1-based): chr20:44,987,198, A>T. VCF-style: chr20-44987198-A-T. GRCh37 (hg19) VCF-style: chr20-43615839-A-T.
Other names: c.427A>T, p.Met143Leu (NM_001352385.2); short protein forms M143L.
Identifiers: ClinVar variation 1348630 (VCV001348630.7), dbSNP rs2067544523, ClinGen allele CA409124274.